The following is an entry in ClinVar:

NM_000185.4(SERPIND1):c.1333G>C (p.Val445Leu)

Genes: PI4KA (phosphatidylinositol 4-kinase alpha; minus strand), SERPIND1 (serpin family D member 1; plus strand). Cytogenetic location: 22q11.21.
Variant type: single nucleotide variant.
Coding change: c.1333G>C on transcript NM_000185.4 (MANE Select); coding-DNA position 1333, G replaced by C.
Protein change: p.Val445Leu; replaces valine 445 with leucine.
Molecular consequence: missense variant. On other transcripts: intron variant (3).
Genome position (GRCh38, 1-based): chr22:20,786,899, G>C. VCF-style: chr22-20786899-G-C. GRCh37 (hg19) VCF-style: chr22-21141187-G-C.
Other names: c.2262+6294C>G (NM_001362863.2); c.2328+6294C>G (NM_001362862.2, NM_058004.4); short protein forms V445L.
Identifiers: ClinVar variation 626989 (VCV000626989.3), dbSNP rs137958110, ClinGen allele CA10116112.

ClinVar aggregate classification (germline): Uncertain significance. Review status: criteria provided, single submitter (1 of 4 stars). 2 submissions from 2 submitters: Uncertain significance (1). 1 of the submissions does not count toward it. Last evaluated 2019-02-01.

Conditions:
Thrombotic stroke. Identifiers: MedGen C0242129.
SERPIND1-related disorder. Also called: SERPIND1-related condition.

Allele frequency attached by ClinVar (database versions not stated): ExAC 0.00003; gnomAD exomes 0.00005 and 0.00010; TOPMed 0.00007; gnomAD 0.00009; ESP Exome Variant Server 0.00023.
gnomAD v4.1: 157 of 1,614,088 alleles (0.0097%); highest among the groups gnomAD compares: Non-Finnish European, 0.013%; no homozygotes.

Submissions (2):

NIHR Bioresource Rare Diseases, University of Cambridge
Classification: Uncertain significance for Thrombotic stroke. Last evaluated: 2019-02-01. Review status: criteria provided, single submitter. Criteria: ACMG Guidelines, 2015. Collection method: research. Allele origin: unknown. Affected: yes. Observed: 1 heterozygote. Study: ThromboGenomics.

PreventionGenetics, part of Exact Sciences
Classification: Uncertain significance for SERPIND1-related condition. Last evaluated: 2024-08-26. Review status: no assertion criteria provided. Collection method: clinical testing. Allele origin: germline. Not counted in ClinVar's aggregate classification.
Comment: The SERPIND1 c.1333G>C variant is predicted to result in the amino acid substitution p.Val445Leu. This variant was reported in an individual with a thrombotic disorder (Supplementary Table 3, Downes et al. 2019. PubMed ID: 31064749). This variant is reported in 0.010% of alleles in individuals of European (Non-Finnish) descent in gnomAD. At this time, the clinical significance of this variant is uncertain due to the absence of conclusive functional and genetic evidence.

Literature cited by the submitters: PubMed 31064749 (cited by NIHR Bioresource Rare Diseases, University of Cambridge).